The following is an entry in ClinVar:

ClinVar aggregate classification (germline): Likely benign. Review status: criteria provided, multiple submitters, no conflicts (2 of 4 stars). 4 submissions from 4 submitters: Likely benign (3). 1 of the submissions does not count toward it. Last evaluated 2025-10-01.

Conditions:
ASTN2-related disorder. Also called: ASTN2-related condition.

Allele frequency attached by ClinVar (database versions not stated): 1000 Genomes Project 0.00040; 1000 Genomes Project 30x 0.00047; ExAC 0.00188; gnomAD exomes 0.00209 and 0.00303; gnomAD 0.00216 and 0.00217; TOPMed 0.00220; ESP Exome Variant Server 0.00308.
gnomAD v4.1: 4,689 of 1,602,498 alleles (0.29%); highest among the groups gnomAD compares: Non-Finnish European, 0.37%; 4 homozygotes.

Submissions (4):

CeGaT Center for Human Genetics Tuebingen
Classification: Likely benign. Last evaluated: 2025-10-01. Review status: criteria provided, single submitter. Criteria: CeGaT Center For Human Genetics Tuebingen Variant Classification Criteria Version 2. Collection method: clinical testing. Allele origin: germline. Affected: yes. Observed: 2 variant alleles.
Comment: ASTN2: BS1

Labcorp Genetics (formerly Invitae), Labcorp
Classification: Likely benign. Last evaluated: 2018-06-29. Review status: criteria provided, single submitter. Criteria: Invitae Variant Classification Sherloc (09022015). Collection method: clinical testing. Allele origin: germline.

Breakthrough Genomics
Classification: Likely benign. Review status: criteria provided, single submitter. Criteria: ACMG Guidelines, 2015. Collection method: not provided. Allele origin: germline. Inheritance: Unknown mechanism. Affected: yes.

PreventionGenetics, part of Exact Sciences
Classification: Likely benign for ASTN2-related condition. Last evaluated: 2023-04-03. Review status: no assertion criteria provided. Collection method: clinical testing. Allele origin: germline. Not counted in ClinVar's aggregate classification.
Comment: This variant is classified as likely benign based on ACMG/AMP sequence variant interpretation guidelines (Richards et al. 2015 PMID: 25741868, with internal and published modifications).

NM_001365068.1(ASTN2):c.769T>A (p.Ser257Thr)

Gene: ASTN2 (astrotactin 2; minus strand). Cytogenetic location: 9q33.1.
Variant type: single nucleotide variant.
Coding change: c.769T>A on transcript NM_001365068.1 (MANE Select); coding-DNA position 769, T replaced by A.
Protein change: p.Ser257Thr; replaces serine 257 with threonine.
Molecular consequence: missense variant.
Genome position (GRCh38, 1-based): chr9:117,214,604, A>T on the plus strand (T>A on the coding strand, the complement: ASTN2 is on the minus strand). VCF-style: chr9-117214604-A-T. GRCh37 (hg19) VCF-style: chr9-119976883-A-T.
Other names: c.769T>A, p.Ser257Thr (NM_001365069.1, NM_014010.5); short protein forms S257T.
Identifiers: ClinVar variation 719348 (VCV000719348.13), dbSNP rs139148246, ClinGen allele CA5211909.